The following is an entry in ClinVar:

NM_005462.5(MAGEC1):c.1340T>G (p.Val447Gly)

Gene: MAGEC1 (MAGE family member C1; plus strand). Cytogenetic location: Xq27.2.
Variant type: single nucleotide variant.
Coding change: c.1340T>G on transcript NM_005462.5 (MANE Select); coding-DNA position 1340, T replaced by G.
Protein change: p.Val447Gly; replaces valine 447 with glycine.
Molecular consequence: missense variant.
Genome position (GRCh38, 1-based): chrX:141,906,744, T>G. VCF-style: chrX-141906744-T-G. GRCh37 (hg19) VCF-style: chrX-140994530-T-G.
Other names: short protein forms V447G.
Identifiers: ClinVar variation 5038866 (VCV005038866.1).

ClinVar aggregate classification (germline): Likely benign (1 of 4 stars; one submission).

Submission:

CeGaT Center for Human Genetics Tuebingen
Classification: Likely benign. Last evaluated: 2026-08-01. Review status: criteria provided, single submitter. Criteria: CeGaT Center For Human Genetics Tuebingen Variant Classification Criteria Version 2. Collection method: clinical testing. Allele origin: germline. Affected: yes. Observed: 1 variant allele.
Comment: MAGEC1: BP4, BS2